The following is an entry in ClinVar:

ClinVar aggregate classification (germline): Uncertain significance. Review status: criteria provided, multiple submitters, no conflicts (2 of 4 stars). 2 submissions from 2 submitters: Uncertain significance (2). Last evaluated 2021-08-27.

Conditions:
Aortic aneurysm, familial thoracic 4 (AAT4). Also called: AORTIC ANEURYSM/AORTIC DISSECTION AND PATENT DUCTUS ARTERIOSUS. Identifiers: MedGen C1851504, MONDO:0007568, OMIM 132900.
Familial thoracic aortic aneurysm and aortic dissection (TAAD). Also called: Thoracic aortic aneurysms and dissections. Identifiers: Orphanet 91387, MedGen C4707243, MONDO:0019625.

Allele frequency attached by ClinVar (database versions not stated): gnomAD exomes below 0.00001 and 0.00001.

Submissions (2):

Labcorp Genetics (formerly Invitae), Labcorp
Classification: Uncertain significance for Aortic aneurysm, familial thoracic 4. Last evaluated: 2021-08-27. Review status: criteria provided, single submitter. Criteria: Invitae Variant Classification Sherloc (09022015). Collection method: clinical testing. Allele origin: germline.
Comment: This sequence change replaces arginine with glutamine at codon 1121 of the MYH11 protein (p.Arg1121Gln). The arginine residue is highly conserved and there is a small physicochemical difference between arginine and glutamine. This variant is not present in population databases (ExAC no frequency). This variant has not been reported in the literature in individuals affected with MYH11-related conditions. Algorithms developed to predict the effect of missense changes on protein structure and function are either unavailable or do not agree on the potential impact of this missense change (SIFT: "Deleterious"; PolyPhen-2: "Possibly Damaging"; Align-GVGD: "Class C0"). In summary, the available evidence is currently insufficient to determine the role of this variant in disease. Therefore, it has been classified as a Variant of Uncertain Significance.

Color Diagnostics, LLC DBA Color Health
Classification: Uncertain significance for Familial thoracic aortic aneurysm and aortic dissection. Last evaluated: 2019-09-18. Review status: criteria provided, single submitter. Criteria: ACMG Guidelines, 2015. Collection method: clinical testing. Allele origin: germline.
Comment: This missense variant replaces arginine with glutamine at codon 1121 of the MYH11 protein. Computational prediction tool suggests that this variant may have deleterious impact on protein structure and function (internally defined REVEL score threshold ≥0.7, PMID: 27666373). Splice site prediction tools suggest that this variant may not impact RNA splicing. To our knowledge, functional studies have not been performed for this variant. This variant has not been reported in individuals affected with cardiovascular disorders in the literature. This variant has been identified in 1/251482 chromosomes in the general population by the Genome Aggregation Database (gnomAD). The available evidence is insufficient to determine the role of this variant in disease conclusively. Therefore, this variant is classified as a Variant of Uncertain Significance.

NM_002474.3(MYH11):c.3341G>A (p.Arg1114Gln)

Gene: MYH11 (myosin heavy chain 11; minus strand). Cytogenetic location: 16p13.11.
Variant type: single nucleotide variant.
Coding change: c.3341G>A on transcript NM_002474.3 (MANE Select); coding-DNA position 3341, G replaced by A.
Protein change: p.Arg1114Gln; replaces arginine 1114 with glutamine.
Molecular consequence: missense variant.
Genome position (GRCh38, 1-based): chr16:15,735,531, C>T on the plus strand (G>A on the coding strand, the complement: MYH11 is on the minus strand). VCF-style: chr16-15735531-C-T. GRCh37 (hg19) VCF-style: chr16-15829388-C-T.
Other names: c.3362G>A, p.Arg1121Gln (NM_001040113.2, NM_001040114.2); c.3341G>A, p.Arg1114Gln (NM_022844.3); short protein forms R1121Q, R1114Q.
Identifiers: ClinVar variation 583306 (VCV000583306.6), dbSNP rs1349239463, ClinGen allele CA394862082.